The following is an entry in ClinVar:

ClinVar aggregate classification (germline): Uncertain significance (1 of 4 stars; one submission).

Submission:

Labcorp Genetics (formerly Invitae), Labcorp
Classification: Uncertain significance. Last evaluated: 2025-05-22. Review status: criteria provided, single submitter. Criteria: Invitae Variant Classification Sherloc (09022015). Collection method: clinical testing. Allele origin: germline.
Comment: This sequence change replaces alanine, which is neutral and non-polar, with threonine, which is neutral and polar, at codon 342 of the LOX protein (p.Ala342Thr). This variant is not present in population databases (gnomAD no frequency). This variant has not been reported in the literature in individuals affected with LOX-related conditions. ClinVar contains an entry for this variant (Variation ID: 2696074). Invitae Evidence Modeling of protein sequence and biophysical properties (such as structural, functional, and spatial information, amino acid conservation, physicochemical variation, residue mobility, and thermodynamic stability) has been performed for this missense variant. However, the output from this modeling did not meet the statistical confidence thresholds required to predict the impact of this variant on LOX protein function. In summary, the available evidence is currently insufficient to determine the role of this variant in disease. Therefore, it has been classified as a Variant of Uncertain Significance.

NM_002317.7(LOX):c.1024G>A (p.Ala342Thr)

Genes: SRFBP1 (serum response factor binding protein 1; plus strand), LOX (lysyl oxidase; minus strand). Cytogenetic location: 5q23.1.
Variant type: single nucleotide variant.
Coding change: c.1024G>A on transcript NM_002317.7 (MANE Select); coding-DNA position 1024, G replaced by A.
Protein change: p.Ala342Thr; replaces alanine 342 with threonine.
Molecular consequence: missense variant.
Genome position (GRCh38, 1-based): chr5:122,074,024, C>T on the plus strand (G>A on the coding strand, the complement: LOX is on the minus strand). VCF-style: chr5-122074024-C-T. GRCh37 (hg19) VCF-style: chr5-121409719-C-T.
Other names: c.334G>A, p.Ala112Thr (NM_001178102.2); c.133G>A, p.Ala45Thr (NM_001317073.1); short protein forms A342T, A112T, A45T.
Identifiers: ClinVar variation 2696074 (VCV002696074.3), dbSNP rs2152589503, ClinGen allele CA360881330.
Genomic context (GRCh38, chr5:122,074,024, plus strand): 5'-CCGTTTCTCTCTGAGGCTTGAGGTTCTGGATTTCAGGGTGCCAACATACCTGTGTGTGTG[C>T]AGTACATGCAAATCGCCTGTGGTAGCCATAGTCACAGGATGTGTCTTCAAGACAGAAACT-3'
Protein context (NP_002308.2, residues 332-352): YGYHRRFACT[Ala342Thr]HTQGLSPGCY